The following is an entry in ClinVar:

NM_001035.3(RYR2):c.10708C>T (p.Arg3570Trp)

Gene: RYR2 (ryanodine receptor 2; plus strand). Cytogenetic location: 1q43.
Variant type: single nucleotide variant.
Coding change: c.10708C>T on transcript NM_001035.3 (MANE Select); coding-DNA position 10708, C replaced by T.
Protein change: p.Arg3570Trp; replaces arginine 3570 with tryptophan.
Molecular consequence: missense variant.
Genome position (GRCh38, 1-based): chr1:237,726,291, C>T. VCF-style: chr1-237726291-C-T. GRCh37 (hg19) VCF-style: chr1-237889591-C-T.
Other names: c.10708C>T, p.Arg3570Trp (LRG_402t1); short protein forms R3570W.
Identifiers: ClinVar variation 658003 (VCV000658003.19), dbSNP rs765835441, ClinGen allele CA084477.

ClinVar aggregate classification (germline): Conflicting classifications of pathogenicity. Review status: criteria provided, conflicting classifications (1 of 4 stars). 5 submissions from 5 submitters: Uncertain significance (4); Likely benign (1). Last evaluated 2024-07-23.

Conditions:
Catecholaminergic polymorphic ventricular tachycardia 1. Also called: VENTRICULAR TACHYCARDIA, CATECHOLAMINERGIC POLYMORPHIC, 1, WITH OR WITHOUT ATRIAL DYSFUNCTION AND/OR DILATED CARDIOMYOPATHY; VENTRICULAR TACHYCARDIA, STRESS-INDUCED POLYMORPHIC 1; RYR2-Related Catecholaminergic Polymorphic Ventricular Tachycardia. Identifiers: Orphanet 3286, MedGen C1631597, MONDO:0011484, OMIM 604772.
Cardiomyopathy (CMYO). Also called: Cardiomyopathies. Identifiers: Orphanet 167848, MedGen C0878544, MONDO:0004994, HP:0001638. Inheritance: Various modes of inheritance.
Cardiovascular phenotype. Identifiers: MedGen CN230736.
Catecholaminergic polymorphic ventricular tachycardia (CVPT). Also called: Catecholamine-induced polymorphic ventricular tachycardia. Identifiers: Orphanet 3286, MedGen C5574922, MONDO:0017990.

Allele frequency attached by ClinVar (database versions not stated): TOPMed below 0.00001; gnomAD 0.00002; gnomAD exomes 0.00002 and 0.00003; ExAC 0.00006.
gnomAD v4.1: 25 of 1,589,012 alleles (0.0016%); highest among the groups gnomAD compares: South Asian, 0.0023%; no homozygotes.

Submissions (5):

Labcorp Genetics (formerly Invitae), Labcorp
Classification: Uncertain significance for Catecholaminergic polymorphic ventricular tachycardia 1. Last evaluated: 2024-07-23. Review status: criteria provided, single submitter. Criteria: Invitae Variant Classification Sherloc (09022015). Collection method: clinical testing. Allele origin: germline.
Comment: This sequence change replaces arginine, which is basic and polar, with tryptophan, which is neutral and slightly polar, at codon 3570 of the RYR2 protein (p.Arg3570Trp). The frequency data for this variant in the population databases is considered unreliable, as metrics indicate poor data quality at this position in the gnomAD database. This missense change has been observed in individual(s) with sudden cardiac death (PMID: 19781797, 23651034). ClinVar contains an entry for this variant (Variation ID: 658003). Advanced modeling of protein sequence and biophysical properties (such as structural, functional, and spatial information, amino acid conservation, physicochemical variation, residue mobility, and thermodynamic stability) performed at Invitae indicates that this missense variant is not expected to disrupt RYR2 protein function with a negative predictive value of 95%. Experimental studies are conflicting or provide insufficient evidence to determine the effect of this variant on RYR2 function (PMID: 19781797, 33825858). In summary, the available evidence is currently insufficient to determine the role of this variant in disease. Therefore, it has been classified as a Variant of Uncertain Significance.

All of Us Research Program, National Institutes of Health
Classification: Uncertain significance for Catecholaminergic polymorphic ventricular tachycardia. Last evaluated: 2024-06-17. Review status: criteria provided, single submitter. Criteria: ACMG Guidelines, 2015. Collection method: clinical testing. Allele origin: germline. Inheritance: Autosomal dominant inheritance. Observed: 4 variant alleles, 4 heterozygotes.
Comment: This missense variant replaces arginine with tryptophan at codon 3570 of the RYR2 protein. Computational prediction is inconclusive regarding the impact of this variant on protein structure and function (internally defined REVEL score threshold 0.5 < inconclusive < 0.7, PMID: 27666373). A functional study has shown that this variant leads to increased channel opening (PMID: 19781797) and another study showed that this variant has no impact on caffeine-induced calcium release in HEK293 cells (PMID: 33825858). This variant has been reported in three Finnish individuals affected with sudden cardiac death (PMID: 19781797, 23651034). Seventeen family member carriers underwent comprehensive cardiac evaluation and four of them showed mild structural abnormalities and resting ventricular arrhythmias (PMID: 19781797). This variant has also been identified in 6/226136 chromosomes in the general population by the Genome Aggregation Database (gnomAD). The available evidence is insufficient to determine the role of this variant in disease conclusively. Therefore, this variant is classified as a Variant of Uncertain Significance.

This study involves interpretation of variants in research participants for the purpose of population health screening. Participant phenotype was not available at the time of variant classification. Additional details can be found in publication PMID: 35346344, PMCID: PMC8962531

Color Diagnostics, LLC DBA Color Health
Classification: Uncertain significance for Cardiomyopathy. Last evaluated: 2024-06-05. Review status: criteria provided, single submitter. Criteria: ACMG Guidelines, 2015. Collection method: clinical testing. Allele origin: germline.
Comment: This missense variant replaces arginine with tryptophan at codon 3570 of the RYR2 protein. Computational prediction is inconclusive regarding the impact of this variant on protein structure and function (internally defined REVEL score threshold 0.5 < inconclusive < 0.7, PMID: 27666373). A functional study has shown that this variant leads to increased channel opening (PMID: 19781797) and another study showed that this variant has no impact on caffeine-induced calcium release in HEK293 cells (PMID: 33825858). This variant has been reported in three Finnish individuals affected with sudden cardiac death (PMID: 19781797, 23651034). Seventeen family member carriers underwent comprehensive cardiac evaluation and four of them showed mild structural abnormalities and resting ventricular arrhythmias (PMID: 19781797). This variant has also been identified in 6/226136 chromosomes in the general population by the Genome Aggregation Database (gnomAD). The available evidence is insufficient to determine the role of this variant in disease conclusively. Therefore, this variant is classified as a Variant of Uncertain Significance.

Ambry Genetics
Classification: Uncertain significance for Cardiovascular phenotype. Last evaluated: 2023-03-14. Review status: criteria provided, single submitter. Criteria: Ambry Variant Classification Scheme 2023. Collection method: clinical testing. Allele origin: germline.
Comment: The p.R3570W variant (also known as c.10708C>T), located in coding exon 75 of the RYR2 gene, results from a C to T substitution at nucleotide position 10708. The arginine at codon 3570 is replaced by tryptophan, an amino acid with dissimilar properties. This alteration has been reported in subjects affected by sudden cardiac death (Medeiros-Domingo A et al. J. Am. Coll. Cardiol., 2009 Nov;54:2065-74; Marjamaa A et al. Int. J. Cardiol., 2011 Mar;147:246-52). This alteration may have an impact on protein function (Marjamaa A et al. Int. J. Cardiol., 2011 Mar;147:246-52). This amino acid position is not well conserved in available vertebrate species. In addition, the in silico prediction for this alteration is inconclusive. Since supporting evidence is limited at this time, the clinical significance of this alteration remains unclear.

Blueprint Genetics
Classification: Likely benign. Last evaluated: 2023-02-08. Review status: criteria provided, single submitter. Criteria: ACMG Guidelines, 2015. Collection method: clinical testing. Allele origin: germline.

Literature cited by the submitters: PubMed 19781797 (cited by 4 submitters); PubMed 23651034 (cited by 4 submitters); PubMed 33825858 (cited by 3 submitters); PubMed 19926015 (cited by Ambry Genetics).